The following is an entry in ClinVar:

ClinVar aggregate classification (germline): Uncertain significance. Review status: criteria provided, multiple submitters, no conflicts (2 of 4 stars). 2 submissions from 2 submitters: Uncertain significance (2). Last evaluated 2021-11-06.

Conditions:
Inborn genetic diseases. Identifiers: MedGen C0950123, MeSH D030342.
Cowden syndrome (CS). Also called: Cowden's disease; Cowden's syndrome; Cowden disease. Identifiers: Orphanet 201, MedGen C0018553, MONDO:0016063. Disease mechanism: gain of function.

Submissions (2):

Ambry Genetics
Classification: Uncertain significance for Inborn genetic diseases. Last evaluated: 2021-11-06. Review status: criteria provided, single submitter. Criteria: Ambry Variant Classification Scheme 2023. Collection method: clinical testing. Allele origin: germline.
Comment: The p.Y355C variant (also known as c.1064A>G), located in coding exon 5 of the PIK3CA gene, results from an A to G substitution at nucleotide position 1064. The tyrosine at codon 355 is replaced by cysteine, an amino acid with highly dissimilar properties. This amino acid position is conserved. In addition, this alteration is predicted to be deleterious by in silico analysis. Since supporting evidence is limited at this time, the clinical significance of this alteration remains unclear.

Labcorp Genetics (formerly Invitae), Labcorp
Classification: Uncertain significance for Cowden syndrome. Last evaluated: 2021-10-27. Review status: criteria provided, single submitter. Criteria: Invitae Variant Classification Sherloc (09022015). Collection method: clinical testing. Allele origin: germline.
Comment: In summary, the available evidence is currently insufficient to determine the role of this variant in disease. Therefore, it has been classified as a Variant of Uncertain Significance. Algorithms developed to predict the effect of missense changes on protein structure and function (SIFT, PolyPhen-2, Align-GVGD) all suggest that this variant is likely to be disruptive. This variant has not been reported in the literature in individuals affected with PIK3CA-related conditions. This variant is not present in population databases (gnomAD no frequency). This sequence change replaces tyrosine, a(n) neutral and polar amino acid, with cysteine, a(n) neutral and slightly polar amino acid, at codon 355 of the PIK3CA protein (p.Tyr355Cys).

NM_006218.4(PIK3CA):c.1064A>G (p.Tyr355Cys)

Gene: PIK3CA (phosphatidylinositol-4,5-bisphosphate 3-kinase catalytic subunit alpha; plus strand). Cytogenetic location: 3q26.32.
Variant type: single nucleotide variant.
Coding change: c.1064A>G on transcript NM_006218.4 (MANE Select); coding-DNA position 1064, A replaced by G.
Protein change: p.Tyr355Cys; replaces tyrosine 355 with cysteine.
Molecular consequence: missense variant.
Genome position (GRCh38, 1-based): chr3:179,204,507, A>G. VCF-style: chr3-179204507-A-G. GRCh37 (hg19) VCF-style: chr3-178922295-A-G.
Other names: short protein forms Y355C.
Identifiers: ClinVar variation 1347407 (VCV001347407.8), dbSNP rs2108394261, ClinGen allele CA355282657.